The following is an entry in ClinVar:

NM_015047.3(EMC1):c.1504C>T (p.Leu502Phe)

Genes: EMC1 (ER membrane protein complex subunit 1; minus strand), EMC1-AS1 (EMC1 antisense RNA 1; plus strand). Cytogenetic location: 1p36.13.
Variant type: single nucleotide variant.
Coding change: c.1504C>T on transcript NM_015047.3 (MANE Select); coding-DNA position 1504, C replaced by T.
Protein change: p.Leu502Phe; replaces leucine 502 with phenylalanine.
Molecular consequence: missense variant.
Genome position (GRCh38, 1-based): chr1:19,233,064, G>A on the plus strand (C>T on the coding strand, the complement: EMC1 is on the minus strand). VCF-style: chr1-19233064-G-A. GRCh37 (hg19) VCF-style: chr1-19559558-G-A.
Other names: c.1501C>T, p.Leu501Phe (NM_001271427.2, NM_001271428.2); c.1438C>T, p.Leu480Phe (NM_001271429.2); c.1513C>T, p.Leu505Phe (NM_001375820.1); c.1510C>T, p.Leu504Phe (NM_001375821.1); short protein forms L505F, L480F, L502F, L504F, L501F.
Identifiers: ClinVar variation 1438178 (VCV001438178.8), dbSNP rs774595213, ClinGen allele CA652559.

ClinVar aggregate classification (germline): Uncertain significance (1 of 4 stars; one submission).

Allele frequency attached by ClinVar (database versions not stated): TOPMed below 0.00001; ExAC 0.00001; gnomAD exomes 0.00001 and 0.00003; gnomAD 0.00002.
gnomAD v4.1: 19 of 1,614,072 alleles (0.0012%); highest among the groups gnomAD compares: South Asian, 0.021%; no homozygotes.

Submission:

Labcorp Genetics (formerly Invitae), Labcorp
Classification: Uncertain significance. Last evaluated: 2022-03-03. Review status: criteria provided, single submitter. Criteria: Invitae Variant Classification Sherloc (09022015). Collection method: clinical testing. Allele origin: germline.
Comment: In summary, the available evidence is currently insufficient to determine the role of this variant in disease. Therefore, it has been classified as a Variant of Uncertain Significance. Algorithms developed to predict the effect of missense changes on protein structure and function (SIFT, PolyPhen-2, Align-GVGD) all suggest that this variant is likely to be tolerated. This variant has not been reported in the literature in individuals affected with EMC1-related conditions. This variant is present in population databases (rs774595213, gnomAD 0.03%). This sequence change replaces leucine, which is neutral and non-polar, with phenylalanine, which is neutral and non-polar, at codon 502 of the EMC1 protein (p.Leu502Phe).